The following is an entry in ClinVar:

NM_017934.7(PHIP):c.99+5G>C

Gene: PHIP (PHIP subunit of CUL4-Ring ligase complex; minus strand). Cytogenetic location: 6q14.1.
Variant type: single nucleotide variant.
Coding change: c.99+5G>C on transcript NM_017934.7 (MANE Select); 5 bases into the intron after coding-DNA position 99, G replaced by C.
Molecular consequence: intron variant.
Genome position (GRCh38, 1-based): chr6:79,077,850, C>G on the plus strand (G>C on the coding strand, the complement: PHIP is on the minus strand). VCF-style: chr6-79077850-C-G. GRCh37 (hg19) VCF-style: chr6-79787567-C-G.
Other names: c.99+5G>C (NM_017934.6).
Identifiers: ClinVar variation 2875335 (VCV002875335.4), dbSNP rs751032980, ClinGen allele CA3900458.
Genomic context (GRCh38, chr6:79,077,850, plus strand): 5'-CGCCTCCCTCCCCCACGCCCGCGAGCGGCGAGCGCCGGCCCGGCCCGCGCCGCGCGCCGC[C>G]GTACCTGAGCCGCCTGCTGACAGGGTCCATCTTCCAGGAACCGGGCGATGAGGAAGTAGA-3'

ClinVar aggregate classification (germline): Uncertain significance. Review status: criteria provided, single submitter (1 of 4 stars). 2 submissions from 2 submitters: Uncertain significance (1). 1 of the submissions does not count toward it. Last evaluated 2024-11-07.

Conditions:
PHIP-related disorder. Also called: PHIP-related disorders; PHIP-related condition.

Allele frequency attached by ClinVar (database versions not stated): TOPMed 0.00002.
gnomAD v4.1: 5 of 1,499,108 alleles (0.00033%); highest among the groups gnomAD compares: African/African-American, 0.0044%; no homozygotes.

Submissions (2):

Labcorp Genetics (formerly Invitae), Labcorp
Classification: Uncertain significance. Last evaluated: 2024-11-07. Review status: criteria provided, single submitter. Criteria: Invitae Variant Classification Sherloc (09022015). Collection method: clinical testing. Allele origin: germline.
Comment: This sequence change falls in intron 2 of the PHIP gene. It does not directly change the encoded amino acid sequence of the PHIP protein. It affects a nucleotide within the consensus splice site. This variant is present in population databases (rs751032980, gnomAD 0.02%). This variant has not been reported in the literature in individuals affected with PHIP-related conditions. ClinVar contains an entry for this variant (Variation ID: 2875335). Variants that disrupt the consensus splice site are a relatively common cause of aberrant splicing (PMID: 17576681, 9536098). Algorithms developed to predict the effect of sequence changes on RNA splicing suggest that this variant is not likely to affect RNA splicing. In summary, the available evidence is currently insufficient to determine the role of this variant in disease. Therefore, it has been classified as a Variant of Uncertain Significance.

PreventionGenetics, part of Exact Sciences
Classification: Likely benign for PHIP-related condition. Last evaluated: 2024-09-16. Review status: no assertion criteria provided. Collection method: clinical testing. Allele origin: germline. Not counted in ClinVar's aggregate classification.
Comment: This variant is classified as likely benign based on ACMG/AMP sequence variant interpretation guidelines (Richards et al. 2015 PMID: 25741868, with internal and published modifications).

Literature cited by the submitters: PubMed 17576681 (cited by Labcorp Genetics (formerly Invitae), Labcorp); PubMed 9536098 (cited by Labcorp Genetics (formerly Invitae), Labcorp).